The following is an entry in ClinVar:

ClinVar aggregate classification (germline): Uncertain significance (1 of 4 stars; one submission).

Conditions:
Snijders Blok-Campeau syndrome. Also called: INTELLECTUAL DEVELOPMENTAL DISORDER WITH MACROCEPHALY, SPEECH DELAY, AND DYSMORPHIC FACIES. Identifiers: Orphanet 599082, MedGen C4748701, MONDO:0032600, OMIM 618205.

Allele frequency attached by ClinVar (database versions not stated): gnomAD exomes below 0.00001 and 0.00001; ExAC 0.00001; gnomAD 0.00001; 1000 Genomes Project 30x 0.00016; 1000 Genomes Project 0.00020.
gnomAD v4.1: 7 of 1,614,146 alleles (0.00043%); highest among the groups gnomAD compares: Non-Finnish European, 0.00059%; no homozygotes.

Submission:

Illumina Laboratory Services, Illumina
Classification: Uncertain significance for Snijders Blok-Campeau syndrome. Last evaluated: 2022-02-08. Review status: criteria provided, single submitter. Criteria: ICSLVariantClassificationCriteria RUGD 01 April 2020. Collection method: clinical testing. Allele origin: unknown.
Comment: The CHD3 c.5512G>C (p.Glu1838Gln) missense variant results in the substitution of glutamic acid at amino acid position 1838 with glutamine. To our knowledge, this variant has not been reported in the peer-reviewed literature. This variant is reported in the Genome Aggregation Database in two alleles at a frequency of 0.000018 in the European (non Finnish) population (version 2.1.1). Based on the available evidence, the c.5512G>C (p.Glu1838Gln) variant is classified as a variant of uncertain significance for Snijders Blok-Campeau syndrome.

NM_001005273.3(CHD3):c.5335G>C (p.Glu1779Gln)

Gene: CHD3 (chromodomain helicase DNA binding protein 3; plus strand). Cytogenetic location: 17p13.1.
Variant type: single nucleotide variant.
Coding change: c.5335G>C on transcript NM_001005273.3 (MANE Select); coding-DNA position 5335, G replaced by C.
Protein change: p.Glu1779Gln; replaces glutamic acid 1779 with glutamine.
Molecular consequence: missense variant.
Genome position (GRCh38, 1-based): chr17:7,908,770, G>C. VCF-style: chr17-7908770-G-C. GRCh37 (hg19) VCF-style: chr17-7812088-G-C.
Other names: c.5512G>C, p.Glu1838Gln (NM_001005271.3); c.5233G>C, p.Glu1745Gln (NM_005852.4); short protein forms E1745Q, E1779Q, E1838Q.
Identifiers: ClinVar variation 1693287 (VCV001693287.3), dbSNP rs200555446, ClinGen allele CA8363641.
Genomic context (GRCh38, chr17:7,908,770, plus strand): 5'-CGGTGGCAGGACATCCAGAATGATGCTCAATTTGCCATTATCAACGAGCCATTTAAAACT[G>C]AAGCCAATAAGGGGAACTTTCTGGAGATGAAAAATAAGTTCCTGGCCCGGAGGTTCAAGG-3'
Protein context (NP_001005273.1, residues 1769-1789): FAIINEPFKT[Glu1779Gln]ANKGNFLEMK